The following is an entry in ClinVar:

ClinVar aggregate classification (germline): Uncertain significance (1 of 4 stars; one submission).

Submission:

Labcorp Genetics (formerly Invitae), Labcorp
Classification: Uncertain significance. Last evaluated: 2022-11-22. Review status: criteria provided, single submitter. Criteria: Invitae Variant Classification Sherloc (09022015). Collection method: clinical testing. Allele origin: germline.
Comment: In summary, the available evidence is currently insufficient to determine the role of this variant in disease. Therefore, it has been classified as a Variant of Uncertain Significance. Advanced modeling of protein sequence and biophysical properties (such as structural, functional, and spatial information, amino acid conservation, physicochemical variation, residue mobility, and thermodynamic stability) performed at Invitae indicates that this missense variant is not expected to disrupt UNC80 protein function. This variant has not been reported in the literature in individuals affected with UNC80-related conditions. This variant is not present in population databases (gnomAD no frequency). This sequence change replaces arginine, which is basic and polar, with glycine, which is neutral and non-polar, at codon 2966 of the UNC80 protein (p.Arg2966Gly).

NM_001371986.1(UNC80):c.9094C>G (p.Arg3032Gly)

Gene: UNC80 (unc-80 subunit of NALCN channel complex; plus strand). Cytogenetic location: 2q34.
Variant type: single nucleotide variant.
Coding change: c.9094C>G on transcript NM_001371986.1 (MANE Select); coding-DNA position 9094, C replaced by G.
Protein change: p.Arg3032Gly; replaces arginine 3032 with glycine.
Molecular consequence: missense variant.
Genome position (GRCh38, 1-based): chr2:209,978,684, C>G. VCF-style: chr2-209978684-C-G. GRCh37 (hg19) VCF-style: chr2-210843408-C-G.
Other names: c.8896C>G, p.Arg2966Gly (NM_032504.2); c.8881C>G, p.Arg2961Gly (NM_182587.4); short protein forms R2966G, R3032G, R2961G.
Identifiers: ClinVar variation 1913812 (VCV001913812.5), dbSNP rs1265367593, ClinGen allele CA350414708.
Genomic context (GRCh38, chr2:209,978,684, plus strand): 5'-GGCACTGTCTGGGAGCAGGACAGTGAGCCATCCCAGCAGGCTTCGCAGGACACCCTGAGT[C>G]GGACTGATGAGGAAGATGAGGAAAGTAGGTCATTCCAGAGAATCTGGGCAGTAGACATGG-3'
Protein context (NP_001358915.1, residues 3022-3042): SQQASQDTLS[Arg3032Gly]TDEEDEENDS